The following is an entry in ClinVar:

ClinVar aggregate classification (germline): Likely benign. Review status: criteria provided, multiple submitters, no conflicts (2 of 4 stars). 4 submissions from 4 submitters: Likely benign (4). Last evaluated 2025-05-21.

Conditions:
Inborn genetic diseases. Identifiers: MedGen C0950123, MeSH D030342.
Neuropathy, hereditary sensory and autonomic, type 1C. Also called: HSAN IC; HSN IC. Identifiers: Orphanet 36386, MedGen C3150896, MONDO:0013337, OMIM 613640.
SPTLC2-related disorder. Also called: SPTLC2-related condition.

Allele frequency attached by ClinVar (database versions not stated): gnomAD 0.00001 and 0.00002; gnomAD exomes 0.00002 and 0.00003; ExAC 0.00003; TOPMed 0.00003; ESP Exome Variant Server 0.00015.
gnomAD v4.1: 43 of 1,613,948 alleles (0.0027%); highest among the groups gnomAD compares: Non-Finnish European, 0.0035%; no homozygotes.

Submissions (4):

PreventionGenetics, part of Exact Sciences
Classification: Likely benign for SPTLC2-related condition. Last evaluated: 2025-05-21. Review status: criteria provided, single submitter. Criteria: ACMG Guidelines, 2015. Collection method: clinical testing. Allele origin: germline.
Comment: This variant is classified as likely benign based on ACMG/AMP sequence variant interpretation guidelines (Richards et al. 2015 PMID: 25741868, with internal and published modifications).

Labcorp Genetics (formerly Invitae), Labcorp
Classification: Likely benign for Neuropathy, hereditary sensory and autonomic, type 1C. Last evaluated: 2025-04-03. Review status: criteria provided, single submitter. Criteria: Invitae Variant Classification Sherloc (09022015). Collection method: clinical testing. Allele origin: germline.

Ambry Genetics
Classification: Likely benign for Inborn genetic diseases. Last evaluated: 2019-07-11. Review status: criteria provided, single submitter. Criteria: Ambry Variant Classification Scheme 2023. Collection method: clinical testing. Allele origin: germline.

GeneDx
Classification: Likely benign. Last evaluated: 2017-02-08. Review status: criteria provided, single submitter. Criteria: GeneDx Variant Classification (06012015). Collection method: clinical testing. Allele origin: germline. Affected: yes.
Comment: This variant is considered likely benign or benign based on one or more of the following criteria: it is a conservative change, it occurs at a poorly conserved position in the protein, it is predicted to be benign by multiple in silico algorithms, and/or has population frequency not consistent with disease.

NM_004863.4(SPTLC2):c.1320A>G (p.Gln440=)

Gene: SPTLC2 (serine palmitoyltransferase long chain base subunit 2; minus strand). Cytogenetic location: 14q24.3.
Variant type: single nucleotide variant.
Coding change: c.1320A>G on transcript NM_004863.4 (MANE Select); coding-DNA position 1320, A replaced by G.
Protein change: p.Gln440=; no amino-acid change (glutamine 440 retained).
Molecular consequence: synonymous variant.
Genome position (GRCh38, 1-based): chr14:77,521,565, T>C on the plus strand (A>G on the coding strand, the complement: SPTLC2 is on the minus strand). VCF-style: chr14-77521565-T-C. GRCh37 (hg19) VCF-style: chr14-77987908-T-C.
Identifiers: ClinVar variation 507195 (VCV000507195.13), dbSNP rs377233305, ClinGen allele CA7289179.